The following is an entry in ClinVar:

NM_004181.5(UCHL1):c.460G>A (p.Val154Ile)

Gene: UCHL1 (ubiquitin C-terminal hydrolase L1; plus strand). Cytogenetic location: 4p13.
Variant type: single nucleotide variant.
Coding change: c.460G>A on transcript NM_004181.5 (MANE Select); coding-DNA position 460, G replaced by A.
Protein change: p.Val154Ile; replaces valine 154 with isoleucine.
Molecular consequence: missense variant.
Genome position (GRCh38, 1-based): chr4:41,263,225, G>A. VCF-style: chr4-41263225-G-A. GRCh37 (hg19) VCF-style: chr4-41265242-G-A.
Other names: short protein forms V154I.
Identifiers: ClinVar variation 1932300 (VCV001932300.5), dbSNP rs1318028019, ClinGen allele CA356733076.
Genomic context (GRCh38, chr4:41,263,225, plus strand): 5'-CAAGATAATTTTTAAAATACAGCTTACACTCATTTTCAAAAATTTCTTGACTTTCTTTAG[G>A]TAGATGACAAGGTGAATTTCCATTTTATTCTGTTTAACAACGTGGATGGCCACCTCTATG-3'
Protein context (NP_004172.2, residues 144-164): DAVAQEGQCR[Val154Ile]DDKVNFHFIL

ClinVar aggregate classification (germline): Uncertain significance (1 of 4 stars; one submission).

Allele frequency attached by ClinVar (database versions not stated): TOPMed 0.00001.

Submission:

Labcorp Genetics (formerly Invitae), Labcorp
Classification: Uncertain significance. Last evaluated: 2022-06-07. Review status: criteria provided, single submitter. Criteria: Invitae Variant Classification Sherloc (09022015). Collection method: clinical testing. Allele origin: germline.
Comment: This sequence change replaces valine, which is neutral and non-polar, with isoleucine, which is neutral and non-polar, at codon 154 of the UCHL1 protein (p.Val154Ile). This variant is not present in population databases (gnomAD no frequency). In summary, the available evidence is currently insufficient to determine the role of this variant in disease. Therefore, it has been classified as a Variant of Uncertain Significance. Algorithms developed to predict the effect of missense changes on protein structure and function (SIFT, PolyPhen-2, Align-GVGD) all suggest that this variant is likely to be tolerated. This variant has not been reported in the literature in individuals affected with UCHL1-related conditions.